The following is an entry in ClinVar:

NM_001985.3(ETFB):c.448G>A (p.Ala150Thr)

Gene: ETFB (electron transfer flavoprotein subunit beta; minus strand). Cytogenetic location: 19q13.41.
Variant type: single nucleotide variant.
Coding change: c.448G>A on transcript NM_001985.3 (MANE Select); coding-DNA position 448, G replaced by A.
Protein change: p.Ala150Thr; replaces alanine 150 with threonine.
Molecular consequence: missense variant.
Genome position (GRCh38, 1-based): chr19:51,347,049, C>T on the plus strand (G>A on the coding strand, the complement: ETFB is on the minus strand). VCF-style: chr19-51347049-C-T. GRCh37 (hg19) VCF-style: chr19-51850303-C-T.
Other names: c.721G>A, p.Ala241Thr (NM_001014763.1); short protein forms A150T, A241T.
Identifiers: ClinVar variation 1312805 (VCV001312805.2), dbSNP rs760351587, ClinGen allele CA9610742.

ClinVar aggregate classification (germline): Uncertain significance (1 of 4 stars; one submission).

Allele frequency attached by ClinVar (database versions not stated): ExAC 0.00003; gnomAD 0.00001; gnomAD exomes 0.00002; TOPMed below 0.00001.
gnomAD v4.1: 31 of 1,613,868 alleles (0.0019%); highest among the groups gnomAD compares: African/African-American, 0.0027%; no homozygotes.

Submission:

GeneDx
Classification: Uncertain significance. Last evaluated: 2020-06-19. Review status: criteria provided, single submitter. Criteria: GeneDx Variant Classification Process June 2021. Collection method: clinical testing. Allele origin: germline. Affected: yes.
Comment: Not observed at a significant frequency in large population cohorts (Lek et al., 2016); In silico analysis supports that this missense variant has a deleterious effect on protein structure/function; Has not been previously published as pathogenic or benign to our knowledge